The following is an entry in ClinVar:

ClinVar aggregate classification (germline): Uncertain significance (1 of 4 stars; one submission).

Conditions:
Inborn genetic diseases. Identifiers: MedGen C0950123, MeSH D030342.

Submission:

Ambry Genetics
Classification: Uncertain significance for Inborn genetic diseases. Last evaluated: 2025-11-05. Review status: criteria provided, single submitter. Criteria: Ambry Variant Classification Scheme 2023. Collection method: clinical testing. Allele origin: germline.
Comment: The p.A45S variant (also known as c.133G>T), located in coding exon 1 of the G6PC3 gene, results from a G to T substitution at nucleotide position 133. The alanine at codon 45 is replaced by serine, an amino acid with similar properties. This amino acid position is conserved. In addition, this alteration is predicted to be tolerated by in silico analysis. Based on the available evidence, the clinical significance of this variant remains unclear.

NM_138387.4(G6PC3):c.133G>T (p.Ala45Ser)

Genes: G6PC3 (glucose-6-phosphatase catalytic subunit 3; plus strand), LOC130060959 (ATAC-STARR-seq lymphoblastoid active region 12250; plus strand). Cytogenetic location: 17q21.31.
Variant type: single nucleotide variant.
Coding change: c.133G>T on transcript NM_138387.4 (MANE Select); coding-DNA position 133, G replaced by T.
Protein change: p.Ala45Ser; replaces alanine 45 with serine.
Molecular consequence: missense variant. On other transcripts: 5 prime UTR variant (3), intron variant (1).
Genome position (GRCh38, 1-based): chr17:44,071,098, G>T. VCF-style: chr17-44071098-G-T. GRCh37 (hg19) VCF-style: chr17-42148466-G-T.
Other names: c.133G>T, p.Ala45Ser (NM_001319945.2); c.-272G>T (NM_001384165.1); c.-407G>T (NM_001384166.1); c.-397G>T (NM_001384167.1); c.-312+384G>T (NM_001384168.1); short protein forms A45S.
Identifiers: ClinVar variation 4620512 (VCV004620512.1).
Genomic context (GRCh38, chr17:44,071,098, plus strand): 5'-GTGTGGCTCTGGATCACCTTTCTGGGCGATCCCAAGATCCTCTTTCTGTTCTACTTCCCC[G>T]CGGCCTACTACGCCTCCCGCCGTGTGGGCATCGCGGTGCTCTGGATCAGCCTCATCACCG-3'
Protein context (NP_612396.1, residues 35-55): PKILFLFYFP[Ala45Ser]AYYASRRVGI